The following is an entry in ClinVar:

ClinVar aggregate classification (germline): Uncertain significance (1 of 4 stars; one submission).

Submission:

GeneDx
Classification: Uncertain significance. Last evaluated: 2024-03-05. Review status: criteria provided, single submitter. Criteria: GeneDx Variant Classification Process June 2021. Collection method: clinical testing. Allele origin: germline. Affected: yes.
Comment: Not observed at significant frequency in large population cohorts (gnomAD); In silico analysis supports that this missense variant has a deleterious effect on protein structure/function; In silico analysis is inconclusive as to whether the variant alters gene splicing. In the absence of RNA/functional studies, the actual effect of this sequence change is unknown.; Has not been previously published as pathogenic or benign to our knowledge

NM_003482.4(KMT2D):c.10739A>G (p.Gln3580Arg)

Gene: KMT2D (lysine methyltransferase 2D; minus strand). Cytogenetic location: 12q13.12.
Variant type: single nucleotide variant.
Coding change: c.10739A>G on transcript NM_003482.4 (MANE Select); coding-DNA position 10739, A replaced by G.
Protein change: p.Gln3580Arg; replaces glutamine 3580 with arginine.
Molecular consequence: missense variant.
Genome position (GRCh38, 1-based): chr12:49,034,068, T>C on the plus strand (A>G on the coding strand, the complement: KMT2D is on the minus strand). VCF-style: chr12-49034068-T-C. GRCh37 (hg19) VCF-style: chr12-49427851-T-C.
Other names: short protein forms Q3580R.
Identifiers: ClinVar variation 3373382 (VCV003373382.1).